The following is an entry in ClinVar:

ClinVar aggregate classification (germline): Uncertain significance (1 of 4 stars; one submission).

Conditions:
Cardiovascular phenotype. Identifiers: MedGen CN230736.
Hereditary cancer-predisposing syndrome. Also called: Hereditary Cancer Syndrome; Hereditary neoplastic syndrome; Neoplastic Syndromes, Hereditary; Tumor predisposition. Identifiers: Orphanet 140162, MedGen C0027672, MeSH D009386, MONDO:0015356.

Allele frequency attached by ClinVar (database versions not stated): gnomAD exomes below 0.00001.
gnomAD v4.1: 1 of 1,594,560 alleles (0.000063%); highest among the groups gnomAD compares: South Asian, 0.0011%; no homozygotes.

Submission:

Ambry Genetics
Classification: Uncertain significance for Cardiovascular phenotype; Hereditary cancer-predisposing syndrome. Last evaluated: 2022-03-27. Review status: criteria provided, single submitter. Criteria: Ambry Variant Classification Scheme 2023. Collection method: clinical testing. Allele origin: germline.
Comment: The p.G498A variant (also known as c.1493G>C), located in coding exon 14 of the LZTR1 gene, results from a G to C substitution at nucleotide position 1493. The glycine at codon 498 is replaced by alanine, an amino acid with similar properties. This amino acid position is conserved. In addition, this alteration is predicted to be tolerated by in silico analysis. Since supporting evidence is limited at this time, the clinical significance of this alteration remains unclear.

NM_006767.4(LZTR1):c.1493G>C (p.Gly498Ala)

Gene: LZTR1 (leucine zipper like post translational regulator 1; plus strand). Cytogenetic location: 22q11.21.
Variant type: single nucleotide variant.
Coding change: c.1493G>C on transcript NM_006767.4 (MANE Select); coding-DNA position 1493, G replaced by C.
Protein change: p.Gly498Ala; replaces glycine 498 with alanine.
Molecular consequence: missense variant.
Genome position (GRCh38, 1-based): chr22:20,994,147, G>C. VCF-style: chr22-20994147-G-C. GRCh37 (hg19) VCF-style: chr22-21348436-G-C.
Other names: short protein forms G498A.
Identifiers: ClinVar variation 1773835 (VCV001773835.2), dbSNP rs2518620817, ClinGen allele CA410775623.